The following is an entry in ClinVar:

NM_030632.3(ASXL3):c.61G>A (p.Glu21Lys)

Gene: ASXL3 (ASXL transcriptional regulator 3; plus strand). Cytogenetic location: 18q12.1.
Variant type: single nucleotide variant.
Coding change: c.61G>A on transcript NM_030632.3 (MANE Select); coding-DNA position 61, G replaced by A.
Protein change: p.Glu21Lys; replaces glutamic acid 21 with lysine.
Molecular consequence: missense variant.
Genome position (GRCh38, 1-based): chr18:33,607,600, G>A. VCF-style: chr18-33607600-G-A. GRCh37 (hg19) VCF-style: chr18-31187564-G-A.
Other names: short protein forms E21K.
Identifiers: ClinVar variation 1418666 (VCV001418666.1), dbSNP rs1403183821, ClinGen allele CA402269359.

ClinVar aggregate classification (germline): Uncertain significance (1 of 4 stars; one submission).

Allele frequency attached by ClinVar (database versions not stated): gnomAD exomes below 0.00001.
gnomAD v4.1: 1 of 1,583,614 alleles (0.000063%); highest among the groups gnomAD compares: Middle Eastern, 0.017%; no homozygotes.

Submission:

Labcorp Genetics (formerly Invitae), Labcorp
Classification: Uncertain significance. Last evaluated: 2021-10-22. Review status: criteria provided, single submitter. Criteria: Invitae Variant Classification Sherloc (09022015). Collection method: clinical testing. Allele origin: germline.
Comment: This sequence change replaces glutamic acid with lysine at codon 21 of the ASXL3 protein (p.Glu21Lys). The glutamic acid residue is weakly conserved and there is a small physicochemical difference between glutamic acid and lysine. This variant is not present in population databases (ExAC no frequency). This variant has not been reported in the literature in individuals affected with ASXL3-related conditions. Algorithms developed to predict the effect of missense changes on protein structure and function are either unavailable or do not agree on the potential impact of this missense change (SIFT: "Not Available"; PolyPhen-2: "Probably Damaging"; Align-GVGD: "Not Available"). In summary, the available evidence is currently insufficient to determine the role of this variant in disease. Therefore, it has been classified as a Variant of Uncertain Significance.